The following is an entry in ClinVar:

NM_003640.5(ELP1):c.2144del (p.Asn715fs)

Gene: ELP1 (elongator acetyltransferase complex subunit 1; minus strand). Cytogenetic location: 9q31.3.
Variant type: Deletion.
Coding change: c.2144del on transcript NM_003640.5 (MANE Select); coding-DNA position 2144, one base deleted (A; older notation c.2144delA).
Protein change: p.Asn715fs; shifts the reading frame from asparagine 715.
Molecular consequence: frameshift variant.
Genome position (GRCh38, 1-based): chr9:108,899,882, T deleted on the plus strand (A on the coding strand, the reverse complement: ELP1 is on the minus strand); the first of 3 consecutive T bases (chr9:108,899,882-108,899,884); deleting any one gives the same sequence. VCF-style (leftmost placement, unchanged base first): chr9-108899881-GT-G. GRCh37 (hg19) VCF-style: chr9-111662161-GT-G.
Other names: c.1802del, p.Asn601fs (NM_001318360.2); c.1097del, p.Asn366fs (NM_001330749.2); short protein forms N366fs, N601fs, N715fs.
Identifiers: ClinVar variation 4067301 (VCV004067301.2).
Genomic context (GRCh38, chr9:108,899,881, plus strand): 5'-CTTGTCCAACCACTTCCGAATCTGAGCTAAAACCAGGGCTCGATGATGAACAACTTCTAA[GT>G]TTCCCCTTGGCATCTTAAATAAATTAAAGCAGTAACATTTTTAATTAAGTAGAAAACATT-3'

ClinVar aggregate classification (germline): Likely pathogenic (1 of 4 stars; one submission).

Conditions:
Familial dysautonomia. Also called: FD; HSAN III. Identifiers: Orphanet 1764, MedGen C0013364, MONDO:0009131, OMIM 223900. Disease mechanism: loss of function.

Submission:

Natera, Inc.
Classification: Likely pathogenic for Familial dysautonomia. Last evaluated: 2025-02-17. Review status: criteria provided, single submitter. Criteria: Natera Variant Classification Schema (03/2026). Collection method: clinical testing. Allele origin: germline.
Comment: The c.2144del variant in ELP1 is a frameshift variant predicted to shift the reading frame beginning at codon 715 and leads to a stop codon 2 codons downstream. This variant is expected to result in nonsense mediated decay, truncation, or a dysfunctional protein product. This variant is rare in the general population with a frequency below the threshold expected for the associated phenotype(s). Given the available evidence, this variant is classified as Likely Pathogenic.